The following is an entry in ClinVar:

ClinVar aggregate classification (germline): Likely pathogenic (1 of 4 stars; one submission).

Submission:

Labcorp Genetics (formerly Invitae), Labcorp
Classification: Likely pathogenic. Last evaluated: 2023-02-28. Review status: criteria provided, single submitter. Criteria: Invitae Variant Classification Sherloc (09022015). Collection method: clinical testing. Allele origin: germline.
Comment: This variant has not been reported in the literature in individuals affected with DDRGK1-related conditions. This variant is not present in population databases (gnomAD no frequency). This sequence change affects a donor splice site in intron 4 of the DDRGK1 gene. It is expected to disrupt RNA splicing. Variants that disrupt the donor or acceptor splice site typically lead to a loss of protein function (PMID: 16199547), and loss-of-function variants in DDRGK1 are known to be pathogenic (PMID: 28263186). Algorithms developed to predict the effect of sequence changes on RNA splicing suggest that this variant may disrupt the consensus splice site. In summary, the currently available evidence indicates that the variant is pathogenic, but additional data are needed to prove that conclusively. Therefore, this variant has been classified as Likely Pathogenic.

Literature cited by the submitters: PubMed 16199547; PubMed 28263186.

NM_023935.3(DDRGK1):c.510+2T>G

Gene: DDRGK1 (DDRGK domain containing 1; minus strand). Cytogenetic location: 20p13.
Variant type: single nucleotide variant.
Coding change: c.510+2T>G on transcript NM_023935.3 (MANE Select); the canonical splice donor site of the intron after coding-DNA position 510, T replaced by G.
Molecular consequence: splice donor variant.
Genome position (GRCh38, 1-based): chr20:3,199,999, A>C on the plus strand (T>G on the coding strand, the complement: DDRGK1 is on the minus strand). VCF-style: chr20-3199999-A-C. GRCh37 (hg19) VCF-style: chr20-3180645-A-C.
Identifiers: ClinVar variation 2875647 (VCV002875647.3), dbSNP rs1600475941, ClinGen allele CA408071241.
Genomic context (GRCh38, chr20:3,199,999, plus strand): 5'-ATAAGAAGCAAGGCTGCCTTGCCTGGTCAAGGGTCAGAGGTCAGGGTAGGGGCTGGCCTC[A>C]CCTTCTGCTCCTCCTCCAGGCGAAGCCGCTCCTCCTCCTTCTTCCACTCAGCTTCGCGCT-3'